The following is an entry in ClinVar:

ClinVar aggregate classification (germline): Uncertain significance (1 of 4 stars; one submission).

Allele frequency attached by ClinVar (database versions not stated): TOPMed below 0.00001; gnomAD exomes 0.00001.

Submission:

GeneDx
Classification: Uncertain significance. Last evaluated: 2021-03-05. Review status: criteria provided, single submitter. Criteria: GeneDx Variant Classification Process June 2021. Collection method: clinical testing. Allele origin: germline. Affected: yes.
Comment: Not observed in large population cohorts (Lek et al., 2016); Has not been previously published as pathogenic or benign to our knowledge; In silico analysis, which includes splice predictors and evolutionary conservation, suggests this variant may impact gene splicing. In the absence of RNA/functional studies, the actual effect of this sequence change is unknown.

NM_020719.3(PRR12):c.1005T>A (p.Gly335=)

Gene: PRR12 (proline rich 12; plus strand). Cytogenetic location: 19q13.33.
Variant type: single nucleotide variant.
Coding change: c.1005T>A on transcript NM_020719.3 (MANE Select); coding-DNA position 1005, T replaced by A.
Protein change: p.Gly335=; no amino-acid change (glycine 335 retained).
Molecular consequence: synonymous variant.
Genome position (GRCh38, 1-based): chr19:49,595,340, T>A. VCF-style: chr19-49595340-T-A. GRCh37 (hg19) VCF-style: chr19-50098597-T-A.
Identifiers: ClinVar variation 1314144 (VCV001314144.2), dbSNP rs2080758922, ClinGen allele CA508288044.